The following is an entry in ClinVar:

ClinVar aggregate classification (germline): Likely pathogenic (1 of 4 stars; one submission).

Conditions:
Familial cancer of breast. Also called: Hereditary breast cancer; BREAST CANCER, FAMILIAL; hereditary breast carcinoma. Identifiers: Orphanet 227535, MedGen C0346153, MONDO:0016419, OMIM 114480. Disease mechanism: loss of function.

Submission:

Labcorp Genetics (formerly Invitae), Labcorp
Classification: Likely pathogenic for Familial cancer of breast. Last evaluated: 2023-12-22. Review status: criteria provided, single submitter. Criteria: Invitae Variant Classification Sherloc (09022015). Collection method: clinical testing. Allele origin: germline.
Comment: This sequence change creates a premature translational stop signal (p.Val720Metfs*42) in the BARD1 gene. While this is not anticipated to result in nonsense mediated decay, it is expected to disrupt the last 58 amino acid(s) of the BARD1 protein. This variant is not present in population databases (gnomAD no frequency). This variant has not been reported in the literature in individuals affected with BARD1-related conditions. This variant disrupts the C-terminal BRCT domain of BARD1 protein, which is required for chromosome stability and homology-directed repair (PMID: 17848578). A different variant (p.Val767fs) that lies downstream of this variant has been reported to affect BARD1 protein function (PMID: 30925164), this suggests that disruption of this region of the protein is causative of disease. In summary, the currently available evidence indicates that the variant is pathogenic, but additional data are needed to prove that conclusively. Therefore, this variant has been classified as Likely Pathogenic.

Literature cited by the submitters: PubMed 17848578; PubMed 30925164.

NM_000465.4(BARD1):c.2157_2166del (p.Val720fs)

Gene: BARD1 (BRCA1 associated RING domain 1; minus strand). Cytogenetic location: 2q35.
Variant type: Deletion.
Coding change: c.2157_2166del on transcript NM_000465.4 (MANE Select); coding-DNA positions 2157 to 2166, 10 bases deleted (AGTCGCATAC; older notation c.2157_2166delAGTCGCATAC).
Protein change: p.Val720fs; shifts the reading frame from valine 720.
Molecular consequence: frameshift variant. On other transcripts: non-coding transcript variant (3).
Genome position (GRCh38, 1-based): chr2:214,728,844-214,728,853, GTATGCGACT deleted on the plus strand (AGTCGCATAC on the coding strand, the reverse complement: BARD1 is on the minus strand); deleting any 10 consecutive bases within chr2:214,728,844-214,728,857 gives the same sequence; the c. name uses the placement nearest the transcript's 3' end. VCF-style (leftmost placement, unchanged base first): chr2-214728843-GGTATGCGACT-G. GRCh37 (hg19) VCF-style: chr2-215593567-GGTATGCGACT-G.
Other names: c.2100_2109del, p.Val701fs (NM_001282543.2); c.804_813del, p.Val269fs (NM_001282545.2); c.747_756del, p.Val250fs (NM_001282548.2); c.618_627del, p.Val207fs (NM_001282549.2); short protein forms V207fs, V250fs, V269fs, V720fs, V701fs.
Identifiers: ClinVar variation 2704961 (VCV002704961.3), dbSNP rs2469269496, ClinGen allele CA2697550380.